The following is an entry in ClinVar:

ClinVar aggregate classification (germline): Pathogenic. Review status: reviewed by expert panel (3 of 4 stars). 4 submissions from 4 submitters: Pathogenic (1). 3 of the submissions do not count toward it. Last evaluated 2024-04-05.

Conditions:
HNF4A-related disorders.
Monogenic diabetes. Identifiers: Orphanet 183625, MedGen C3888631, MONDO:0015967.
Maturity-onset diabetes of the young (MODY). Also called: Maturity onset diabetes mellitus in young. Identifiers: Orphanet 552, MedGen C0342276, MONDO:0018911, HP:0004904.

Submissions (4):

ClinGen Monogenic Diabetes Variant Curation Expert Panel
Classification: Pathogenic for Monogenic diabetes. Last evaluated: 2024-04-05. Review status: reviewed by expert panel. Criteria: ClinGen Diabetes ACMG Specifications HNF4A V2.0.0. Collection method: curation. Allele origin: germline. Inheritance: Autosomal dominant inheritance.
Comment: The c.188G>A variant in the hepatocyte nuclear factor 4-alpha gene, HNF4A, causes an amino acid change of arginine to glutamine at codon 63 (p.(Arg63Gln)) of NM_175914.5. This variant is absent in gnomAD v2.1.1 (PM2_Supporting), and was identified in at least 6 unrelated individuals with non- autoimmune and non-absolute/near-absolute insulin-deficient diabetes (PS4_Moderate; internal lab contributors). One of these individuals has a clinical history highly specific for HNF4A-MODY (MODY probability calculator result >50%, negative genetic testing for HNF1A, and sulfonylurea sensitive) (PP4_Moderate; internal lab contributor). This variant segregated with diabetes, with two informative meioses in two families with MODY (PP1; internal lab contributors). It was also identified as a de novo occurrence with confirmed parental relationships in an individual with a clinical picture consistent with HNF4A-MODY (persistent neonatal hypoglycemia and negative testing for ABCC8 and KCNJ11) (PS2; internal lab contributor). Additionally, this variant resides in an amino acid within the HNF4alpha DNA binding domain that directly binds DNA, which is defined as critical for the protein’s function by the ClinGen MDEP (PM1). It is also predicted to be deleterious by computational evidence, with a REVEL score of 0.921, which is greater than the MDEP VCEP threshold of 0.70 (PP3). In summary, c.188G>A meets the criteria to be classified as pathogenic for monogenic diabetes. ACMG/AMP criteria applied, as specified by the ClinGen MDEP (specification version 2.0.0, approved 10/11/2023): PS2, PP4_Moderate, PM1, PS4_Moderate, PP1, PP3, PM2_Supporting.

GeneDx
Classification: Likely pathogenic. Last evaluated: 2023-09-14. Review status: criteria provided, single submitter. Criteria: GeneDx Variant Classification Process June 2021. Collection method: clinical testing. Allele origin: germline. Affected: yes. Not counted in ClinVar's aggregate classification.
Comment: Reported in two families with maturity-onset diabetes of the young in the literature, although additional clinical information and familial segregation data were not provided (Colclough et al., 2013); Not observed in large population cohorts (gnomAD); In silico analysis, which includes protein predictors and evolutionary conservation, supports a deleterious effect; This variant is associated with the following publications: (PMID: 32583173, 18829458, 35052457, 35118593, 23348805, 24285859, 31875549)

Blueprint Genetics
Classification: Likely pathogenic for HNF4A-related disorders. Last evaluated: 2018-03-02. Review status: criteria provided, single submitter. Criteria: ACMG Guidelines, 2015. Collection method: clinical testing. Allele origin: germline. Affected: yes. Observed: 1 variant allele. Not counted in ClinVar's aggregate classification.

Clinical Genomics, Uppaluri K&H Personalized Medicine Clinic
Classification: Likely risk allele for Maturity-onset diabetes of the young. Review status: criteria provided, single submitter. Criteria: K & H Uppaluri Personalized Medicine Clinic Variant Classification & Assertion Criteria_Updated V.1. Collection method: research. Allele origin: unknown. Inheritance: Autosomal dominant inheritance. Not counted in ClinVar's aggregate classification.
Comment: Potent mutations in HNF4A are associated with poor insulin secretion in response to hyperglycemia. Associated with MODY1. Patients initially respond well to sulfonylureas but eventually become insulin dependent. However, more evidence is required to ascertain the role of this particular variant rs1057517745 in MODY, yet.

Literature cited by the submitters: DOI 10.1159/000334532 (cited by Clinical Genomics, Uppaluri K&H Personalized Medicine Clinic); PubMed 18268044 (cited by Clinical Genomics, Uppaluri K&H Personalized Medicine Clinic); PubMed 17563455 (cited by Clinical Genomics, Uppaluri K&H Personalized Medicine Clinic); PubMed 32583173 (cited by Clinical Genomics, Uppaluri K&H Personalized Medicine Clinic); PubMed 35052457 (cited by Clinical Genomics, Uppaluri K&H Personalized Medicine Clinic); PubMed 35118593 (cited by Clinical Genomics, Uppaluri K&H Personalized Medicine Clinic).

NM_175914.5(HNF4A):c.188G>A (p.Arg63Gln)

Gene: HNF4A (hepatocyte nuclear factor 4 alpha; plus strand). Cytogenetic location: 20q13.12.
Variant type: single nucleotide variant.
Coding change: c.188G>A on transcript NM_175914.5 (MANE Select); coding-DNA position 188, G replaced by A.
Protein change: p.Arg63Gln; replaces arginine 63 with glutamine.
Molecular consequence: missense variant.
Genome position (GRCh38, 1-based): chr20:44,406,196, G>A. VCF-style: chr20-44406196-G-A. GRCh37 (hg19) VCF-style: chr20-43034836-G-A.
Other names: NM_175914.5(HNF4A):c.188G>A; p.Arg63Gln; c.254G>A, p.Arg85Gln (NM_000457.6, NM_178849.3, NM_178850.3); c.188G>A, p.Arg63Gln (NM_001030003.3, NM_001030004.3); c.233G>A, p.Arg78Gln (NM_001258355.2); c.179G>A, p.Arg60Gln (NM_001287182.2, NM_001287183.2, NM_001287184.2); short protein forms R60Q, R63Q, R85Q, R78Q.
Identifiers: ClinVar variation 372382 (VCV000372382.9), dbSNP rs1057517745, ClinGen allele CA16043128.